The following is an entry in ClinVar:

ClinVar aggregate classification (germline): Pathogenic (1 of 4 stars; one submission).

Conditions:
Hereditary cancer-predisposing syndrome. Also called: Tumor predisposition; Neoplastic Syndromes, Hereditary; Hereditary Cancer Syndrome; Hereditary neoplastic syndrome. Identifiers: Orphanet 140162, MedGen C0027672, MeSH D009386, MONDO:0015356.

Submission:

Ambry Genetics
Classification: Pathogenic for Hereditary cancer-predisposing syndrome. Last evaluated: 2024-08-20. Review status: criteria provided, single submitter. Criteria: Ambry Variant Classification Scheme 2023. Collection method: clinical testing. Allele origin: germline.
Comment: The c.3278_3282delACTTA pathogenic mutation, located in coding exon 20 of the DICER1 gene, results from a deletion of 5 nucleotides at nucleotide positions 3278 to 3282, causing a translational frameshift with a predicted alternate stop codon (p.N1093Rfs*9). This variant has been observed in at least one individual with a personal and/or family history that is consistent with DICER1-related tumor predisposition syndrome (Ambry internal data). This variant is considered to be rare based on population cohorts in the Genome Aggregation Database (gnomAD). This alteration is expected to result in loss of function by premature protein truncation or nonsense-mediated mRNA decay. As such, this alteration is interpreted as a disease-causing mutation.

NM_177438.3(DICER1):c.3278_3282del (p.Asn1093fs)

Gene: DICER1 (dicer 1, ribonuclease III; minus strand). Cytogenetic location: 14q32.13.
Variant type: Deletion.
Coding change: c.3278_3282del on transcript NM_177438.3 (MANE Select); coding-DNA positions 3278 to 3282, 5 bases deleted (ACTTA; older notation c.3278_3282delACTTA).
Protein change: p.Asn1093fs; shifts the reading frame from asparagine 1093.
Molecular consequence: frameshift variant. On other transcripts: non-coding transcript variant (4).
Genome position (GRCh38, 1-based): chr14:95,104,114-95,104,118, TAAGT deleted on the plus strand (ACTTA on the coding strand, the reverse complement: DICER1 is on the minus strand); deleting any 5 consecutive bases within chr14:95,104,114-95,104,120 gives the same sequence; the c. name uses the placement nearest the transcript's 3' end. VCF-style (leftmost placement, unchanged base first): chr14-95104113-CTAAGT-C. GRCh37 (hg19) VCF-style: chr14-95570450-CTAAGT-C.
Other names: c.3278_3282del, p.Asn1093fs (NM_001195573.1, NM_001271282.3, NM_001291628.2 and 12 more transcripts); c.2996_3000del, p.Asn999fs (NM_001395686.1); c.2873_2877del, p.Asn958fs (NM_001395687.1, NM_001395688.1, NM_001395689.1 and 2 more transcripts); c.2711_2715del, p.Asn904fs (NM_001395691.1); c.1595_1599del, p.Asn532fs (NM_001395697.1); c.3278_3282delACTTA (NM_177438.2); short protein forms N1093fs, N958fs, N532fs, N904fs, N999fs.
Identifiers: ClinVar variation 3501873 (VCV003501873.1).